The following is an entry in ClinVar:

ClinVar aggregate classification (germline): Uncertain significance. Review status: criteria provided, multiple submitters, no conflicts (2 of 4 stars). 2 submissions from 2 submitters: Uncertain significance (2). Last evaluated 2025-11-10.

Conditions:
CPE-related disorder. Also called: CPE-related condition.
Inborn genetic diseases. Identifiers: MedGen C0950123, MeSH D030342.

gnomAD v4.1: 49 of 1,613,872 alleles (0.003%); highest among the groups gnomAD compares: Admixed American, 0.0083%; no homozygotes.

Submissions (2):

PreventionGenetics, part of Exact Sciences
Classification: Uncertain significance for CPE-related condition. Last evaluated: 2025-11-10. Review status: criteria provided, single submitter. Criteria: ACMG Guidelines, 2015. Collection method: clinical testing. Allele origin: germline.
Comment: The CPE c.737A>G variant is predicted to result in the amino acid substitution p.Asn246Ser. To our knowledge, this variant has not been reported in the literature. This variant is reported in 0.014% of alleles in individuals of Latino descent in gnomAD. At this time, the clinical significance of this variant is uncertain due to the absence of conclusive functional and genetic evidence.

Ambry Genetics
Classification: Uncertain significance for Inborn genetic diseases. Last evaluated: 2024-05-02. Review status: criteria provided, single submitter. Criteria: Ambry Variant Classification Scheme 2023. Collection method: clinical testing. Allele origin: germline.

NM_001873.4(CPE):c.737A>G (p.Asn246Ser)

Gene: CPE (carboxypeptidase E; plus strand). Cytogenetic location: 4q32.3.
Variant type: single nucleotide variant.
Coding change: c.737A>G on transcript NM_001873.4 (MANE Select); coding-DNA position 737, A replaced by G.
Protein change: p.Asn246Ser; replaces asparagine 246 with serine.
Molecular consequence: missense variant.
Genome position (GRCh38, 1-based): chr4:165,482,306, A>G. VCF-style: chr4-165482306-A-G. GRCh37 (hg19) VCF-style: chr4-166403458-A-G.
Other names: c.737A>G (NM_001873.3); short protein forms N246S.
Identifiers: ClinVar variation 3269151 (VCV003269151.3).